The following is an entry in ClinVar:

NM_000179.3(MSH6):c.3554_3556+2del

Gene: MSH6 (mutS homolog 6; plus strand). Cytogenetic location: 2p16.3.
Variant type: Deletion.
Coding change: c.3554_3556+2del on transcript NM_000179.3 (MANE Select); coding-DNA position 3554 through the canonical splice donor site of the intron after coding-DNA position 3556, 5 bases deleted (CAGGT; older notation c.3554_3556+2delCAGGT).
Molecular consequence: splice donor variant.
Genome position (GRCh38, 1-based): chr2:47,805,025-47,805,029, CAGGT deleted; deleting any 5 consecutive bases within chr2:47,805,023-47,805,029 gives the same sequence; the c. name uses the placement nearest the transcript's 3' end. VCF-style (leftmost placement, unchanged base first): chr2-47805022-TGTCAG-T. GRCh37 (hg19) VCF-style: chr2-48032161-TGTCAG-T.
Other names: c.2648_2650+2del (NM_001281493.2, NM_001281494.2); c.3164_3166+2del (NM_001281492.2).
Identifiers: ClinVar variation 1049792 (VCV001049792.3), dbSNP rs2104510085, ClinGen allele CA891841787.
Genomic context (GRCh38, chr2:47,805,022, plus strand): 5'-TGTGCAGGCTCACACCAATTGATAGAGTGTTTACTAGACTTGGTGCCTCAGACAGAATAA[TGTCAG>T]GTGAGTTTTTTGTTTCCCACTTAAGTTCTCATTCAGTCATTTAGATGTGATAAAAGATAT-3'

ClinVar aggregate classification (germline): Pathogenic/Likely pathogenic. Review status: criteria provided, multiple submitters, no conflicts (2 of 4 stars). 3 submissions from 3 submitters: Pathogenic (1); Likely pathogenic (1). 1 of the submissions does not count toward it. Last evaluated 2025-03-19.

Conditions:
Hereditary nonpolyposis colorectal neoplasms. Identifiers: MedGen C0009405, MeSH D003123.
Lynch syndrome 5 (LYNCH5). Also called: Colorectal cancer, hereditary nonpolyposis, type 5; Hereditary non-polyposis colorectal cancer, type 5. Identifiers: Orphanet 144, MedGen C1833477, MONDO:0013710, OMIM 614350. Disease mechanism: loss of function.
Carcinoma of colon (CRC). Also called: Colonic carcinoma; Colon carcinoma. Identifiers: MedGen C0699790, MONDO:0002032.

Submissions (3):

Labcorp Genetics (formerly Invitae), Labcorp
Classification: Pathogenic for Hereditary nonpolyposis colorectal neoplasms. Last evaluated: 2025-03-19. Review status: criteria provided, single submitter. Criteria: Invitae Variant Classification Sherloc (09022015). Collection method: clinical testing. Allele origin: germline.
Comment: This sequence change creates a premature translational stop signal (Splice site) in the MSH6 gene. It is expected to result in an absent or disrupted protein product. Loss-of-function variants in MSH6 are known to be pathogenic (PMID: 18269114, 24362816). This variant is not present in population databases (gnomAD no frequency). This premature translational stop signal has been observed in individual(s) with Lynch syndrome (PMID: 27601186). This variant is also known as c.3554_3556+2del. ClinVar contains an entry for this variant (Variation ID: 1049792). For these reasons, this variant has been classified as Pathogenic.

Myriad Genetics, Inc.
Classification: Likely pathogenic for Lynch syndrome 5. Last evaluated: 2023-08-24. Review status: criteria provided, single submitter. Criteria: Myriad Autosomal Dominant, Autosomal Recessive and X-Linked Classification Criteria (2023). Collection method: clinical testing. Allele origin: unknown.
Comment: This variant is considered likely pathogenic. This variant occurs within a consensus splice junction and is predicted to result in abnormal mRNA splicing of either an out-of-frame exon or an in-frame exon necessary for protein stability and/or normal function.

Department of Pathology and Laboratory Medicine, Sinai Health System
Classification: Pathogenic for Carcinoma of colon. Review status: no assertion criteria provided. Collection method: clinical testing. Allele origin: unknown. Affected: yes. Study: The Canadian Open Genetics Repository (COGR). Not counted in ClinVar's aggregate classification.
Comment: The MSH6 c.3554_3556+2delCAGGT variant was not identified in the literature nor was it identified in dbSNP, Clinvitae database, COSMIC, Mismatch Repair Genes Variant Database, MMR Gene Unclassified Variants Database, InSiGHT Colon Cancer Gene Variant Database (LOVD), Zhejiang Colon Cancer Database (LOVD), ClinVar database, GeneInsight-COGR database, UMD, the 1000 Genomes Project, NHLBI GO Exome Sequencing Project, and the Exome Aggregation Consortium database (August 8, 2016). The c.3554_3556+2delCAGGT variant is located in the 5' splice donor region deleting the last three bases of the exon and first 2 bases of the intron. This position has been shown to be part of the splicing consensus sequence and invariant +1 and +2 positions, and variants involving this position sometimes affect splicing. In silico or computational prediction software programs (SpliceSiteFinder, MaxEntScan, NNSPLICE, GeneSplicer, HumanSpliceFinder) predict the abolishment of the 5' splice site in this region, shifting it 5 base pairs upstream; however, this information is not predictive enough to assume pathogenicity. Protein-level nomenclature for this variant was predicted as p.Ser1185_Gly1186delinsCys. In summary, based on the above information, this variant meets our laboratoryâ€šÃ„Ã´s criteria to be classified as pathogenic.

Literature cited by the submitters: PubMed 18269114 (cited by Labcorp Genetics (formerly Invitae), Labcorp); PubMed 24362816 (cited by Labcorp Genetics (formerly Invitae), Labcorp); PubMed 27601186 (cited by Labcorp Genetics (formerly Invitae), Labcorp).